The following is an entry in ClinVar:

ClinVar aggregate classification (germline): Uncertain significance (1 of 4 stars; one submission).

Conditions:
Hereditary cancer-predisposing syndrome. Also called: Neoplastic Syndromes, Hereditary; Tumor predisposition; Hereditary neoplastic syndrome; Hereditary Cancer Syndrome. Identifiers: Orphanet 140162, MedGen C0027672, MeSH D009386, MONDO:0015356.

Submission:

Ambry Genetics
Classification: Uncertain significance for Hereditary cancer-predisposing syndrome. Last evaluated: 2026-07-06. Review status: criteria provided, single submitter. Criteria: Ambry Variant Classification Scheme 2023. Collection method: clinical testing. Allele origin: germline.
Comment: The p.L1993V variant (also known as c.5977T>G), located in coding exon 10 of the BRCA2 gene, results from a T to G substitution at nucleotide position 5977. The leucine at codon 1993 is replaced by valine, an amino acid with highly similar properties. This amino acid position is conserved. In addition, the in silico prediction for this alteration is inconclusive. Based on the available evidence, the clinical significance of this variant remains unclear.

NM_000059.4(BRCA2):c.5977T>G (p.Leu1993Val)

Gene: BRCA2 (BRCA2 DNA repair associated; plus strand). Cytogenetic location: 13q13.1.
Variant type: single nucleotide variant.
Coding change: c.5977T>G on transcript NM_000059.4 (MANE Select); coding-DNA position 5977, T replaced by G.
Protein change: p.Leu1993Val; replaces leucine 1993 with valine.
Molecular consequence: missense variant. On other transcripts: non-coding transcript variant (1), intron variant (2).
Genome position (GRCh38, 1-based): chr13:32,340,332, T>G. VCF-style: chr13-32340332-T-G. GRCh37 (hg19) VCF-style: chr13-32914469-T-G.
Other names: c.5977T>G, p.Leu1993Val (NM_001406719.1, NM_001406720.1, NM_001432077.1); c.1910-4226T>G (NM_001406721.1); c.425-4226T>G (NM_001406722.1); short protein forms L1993V.
Identifiers: ClinVar variation 5033278 (VCV005033278.1).
Genomic context (GRCh38, chr13:32,340,332, plus strand): 5'-AATACTTGTGGGATTTTTAGCACAGCAAGTGGAAAATCTGTCCAGGTATCAGATGCTTCA[T>G]TACAAAACGCAAGACAAGTGTTTTCTGAAATAGAAGATAGTACCAAGCAAGTCTTTTCCA-3'
Protein context (NP_000050.3, residues 1983-2003): GKSVQVSDAS[Leu1993Val]QNARQVFSEI